The following is an entry in ClinVar:

ClinVar aggregate classification (germline): Likely benign. Review status: criteria provided, multiple submitters, no conflicts (2 of 4 stars). 4 submissions from 4 submitters: Likely benign (3). 1 of the submissions does not count toward it. Last evaluated 2026-01-25.

Conditions:
PCLO-related disorder. Also called: PCLO-related condition.
Inborn genetic diseases. Identifiers: MedGen C0950123, MeSH D030342.

Allele frequency attached by ClinVar (database versions not stated): 1000 Genomes Project 30x 0.00141; gnomAD exomes 0.00018 and 0.00049; ExAC 0.00065; gnomAD 0.00200 and 0.00220; ESP Exome Variant Server 0.00234; TOPMed 0.00254; 1000 Genomes Project 0.00140.

Submissions (4):

Labcorp Genetics (formerly Invitae), Labcorp
Classification: Likely benign. Last evaluated: 2026-01-25. Review status: criteria provided, single submitter. Criteria: Invitae Variant Classification Sherloc (09022015). Collection method: clinical testing. Allele origin: germline.

Women's Health and Genetics/Laboratory Corporation of America, LabCorp
Classification: Likely benign. Last evaluated: 2025-09-08. Review status: criteria provided, single submitter. Criteria: LabCorp Variant Classification Summary - May 2015. Collection method: clinical testing. Allele origin: germline.
Comment: Variant summary: PCLO c.775C>G (p.Gln259Glu) results in a conservative amino acid change in the encoded protein sequence. Algorithms developed to predict the effect of missense changes on protein structure and function all suggest that this variant is likely to be tolerated. The variant allele was found at a frequency of 0.00049 in 248980 control chromosomes, predominantly at a frequency of 0.0073 within the African or African-American subpopulation in the gnomAD database. The observed variant frequency within African or African-American control individuals in the gnomAD database exceeds the estimated maximal expected allele frequency for disease-causing variants in PCLO. To our knowledge, no occurrence of c.775C>G in individuals affected with PCLO-related conditions and no experimental evidence demonstrating its impact on protein function have been reported. ClinVar contains an entry for this variant (Variation ID: 768173). Based on the evidence outlined above, the variant was classified as likely benign.

Ambry Genetics
Classification: Likely benign for Inborn genetic diseases. Last evaluated: 2022-02-09. Review status: criteria provided, single submitter. Criteria: Ambry Variant Classification Scheme 2023. Collection method: clinical testing. Allele origin: germline.

PreventionGenetics, part of Exact Sciences
Classification: Benign for PCLO-related condition. Last evaluated: 2019-05-09. Review status: no assertion criteria provided. Collection method: clinical testing. Allele origin: germline. Not counted in ClinVar's aggregate classification.
Comment: This variant is classified as benign based on ACMG/AMP sequence variant interpretation guidelines (Richards et al. 2015 PMID: 25741868, with internal and published modifications).

NM_033026.6(PCLO):c.775C>G (p.Gln259Glu)

Gene: PCLO (piccolo presynaptic cytomatrix protein; minus strand). Cytogenetic location: 7q21.11.
Variant type: single nucleotide variant.
Coding change: c.775C>G on transcript NM_033026.6 (MANE Select); coding-DNA position 775, C replaced by G.
Protein change: p.Gln259Glu; replaces glutamine 259 with glutamic acid.
Molecular consequence: missense variant.
Genome position (GRCh38, 1-based): chr7:83,155,866, G>C on the plus strand (C>G on the coding strand, the complement: PCLO is on the minus strand). VCF-style: chr7-83155866-G-C. GRCh37 (hg19) VCF-style: chr7-82785182-G-C.
Other names: c.775C>G, p.Gln259Glu (NM_014510.3); short protein forms Q259E.
Identifiers: ClinVar variation 768173 (VCV000768173.13), dbSNP rs10251512, ClinGen allele CA4321604.